The following is an entry in ClinVar:

NM_001001344.3(ATP2B3):c.958+5C>T

Gene: ATP2B3 (ATPase plasma membrane Ca2+ transporting 3; plus strand). Cytogenetic location: Xq28.
Variant type: single nucleotide variant.
Coding change: c.958+5C>T on transcript NM_001001344.3 (MANE Select); 5 bases into the intron after coding-DNA position 958, C replaced by T.
Molecular consequence: intron variant.
Genome position (GRCh38, 1-based): chrX:153,546,134, C>T. VCF-style: chrX-153546134-C-T. GRCh37 (hg19) VCF-style: chrX-152811592-C-T.
Other names: c.958+5C>T (NM_021949.4, NM_001388360.1, NM_001388361.1 and 1 more transcripts); c.917-1701C>T (NM_001410708.1).
Identifiers: ClinVar variation 4534061 (VCV004534061.6).

ClinVar aggregate classification (germline): Likely benign (1 of 4 stars; one submission).

gnomAD v4.1: 27 of 1,208,892 alleles (0.0022%); highest among the groups gnomAD compares: Admixed American, 0.0066%; no homozygotes.

Submission:

CeGaT Center for Human Genetics Tuebingen
Classification: Likely benign. Last evaluated: 2025-10-01. Review status: criteria provided, single submitter. Criteria: CeGaT Center For Human Genetics Tuebingen Variant Classification Criteria Version 2. Collection method: clinical testing. Allele origin: germline. Affected: yes. Observed: 1 variant allele.
Comment: ATP2B3: BP4, BS2